The following is an entry in ClinVar:

ClinVar aggregate classification (germline): Uncertain significance. Review status: criteria provided, multiple submitters, no conflicts (2 of 4 stars). 3 submissions from 3 submitters: Uncertain significance (3). Last evaluated 2023-04-11.

Conditions:
Pyknodysostosis. Also called: Pycnodysostosis. Identifiers: Orphanet 763, MedGen C0238402, MONDO:0009940, OMIM 265800.

Allele frequency attached by ClinVar (database versions not stated): gnomAD exomes 0.00003; gnomAD 0.00004 and 0.00005; ExAC 0.00005; TOPMed 0.00005.
gnomAD v4.1: 56 of 1,612,948 alleles (0.0035%); highest among the groups gnomAD compares: African/African-American, 0.0067%; no homozygotes.

Submissions (3):

Genome-Nilou Lab
Classification: Uncertain significance for Pyknodysostosis. Last evaluated: 2023-04-11. Review status: criteria provided, single submitter. Criteria: ACMG Guidelines, 2015. Collection method: clinical testing. Allele origin: germline. Affected: no.

Labcorp Genetics (formerly Invitae), Labcorp
Classification: Uncertain significance. Last evaluated: 2022-10-26. Review status: criteria provided, single submitter. Criteria: Invitae Variant Classification Sherloc (09022015). Collection method: clinical testing. Allele origin: germline.
Comment: This sequence change replaces aspartic acid, which is acidic and polar, with asparagine, which is neutral and polar, at codon 272 of the CTSK protein (p.Asp272Asn). This variant is present in population databases (rs201772791, gnomAD 0.007%). This variant has not been reported in the literature in individuals affected with CTSK-related conditions. ClinVar contains an entry for this variant (Variation ID: 1403119). Advanced modeling of protein sequence and biophysical properties (such as structural, functional, and spatial information, amino acid conservation, physicochemical variation, residue mobility, and thermodynamic stability) performed at Invitae indicates that this missense variant is not expected to disrupt CTSK protein function. In summary, the available evidence is currently insufficient to determine the role of this variant in disease. Therefore, it has been classified as a Variant of Uncertain Significance.

Fulgent Genetics
Classification: Uncertain significance for Pyknodysostosis. Last evaluated: 2021-10-08. Review status: criteria provided, single submitter. Criteria: ACMG Guidelines, 2015. Collection method: clinical testing. Allele origin: unknown.

NM_000396.4(CTSK):c.814G>A (p.Asp272Asn)

Gene: CTSK (cathepsin K; minus strand). Cytogenetic location: 1q21.3.
Variant type: single nucleotide variant.
Coding change: c.814G>A on transcript NM_000396.4 (MANE Select); coding-DNA position 814, G replaced by A.
Protein change: p.Asp272Asn; replaces aspartic acid 272 with asparagine.
Molecular consequence: missense variant.
Genome position (GRCh38, 1-based): chr1:150,799,244, C>T on the plus strand (G>A on the coding strand, the complement: CTSK is on the minus strand). VCF-style: chr1-150799244-C-T. GRCh37 (hg19) VCF-style: chr1-150771720-C-T.
Other names: short protein forms D272N.
Identifiers: ClinVar variation 1403119 (VCV001403119.4), dbSNP rs201772791, ClinGen allele CA1080418.